The following is an entry in ClinVar:

ClinVar aggregate classification (germline): Pathogenic (1 of 4 stars; one submission).

Conditions:
Multiple congenital exostosis (EXT). Also called: Multiple exostoses; Hereditary multiple exostoses; Hereditary multiple exostosis; Hereditary multiple osteochondromas; MULTIPLE CARTILAGINOUS EXOSTOSES; Multiple osteochondromas. Identifiers: Orphanet 321, MedGen C0015306, MONDO:0005508, HP:0002762.

Allele frequency attached by ClinVar (database versions not stated): gnomAD exomes below 0.00001.

Submission:

Labcorp Genetics (formerly Invitae), Labcorp
Classification: Pathogenic for Multiple congenital exostosis. Last evaluated: 2026-01-02. Review status: criteria provided, single submitter. Criteria: Invitae Variant Classification Sherloc (09022015). Collection method: clinical testing. Allele origin: germline.
Comment: This sequence change creates a premature translational stop signal (p.Arg227*) in the EXT1 gene. It is expected to result in an absent or disrupted protein product. Loss-of-function variants in EXT1 are known to be pathogenic (PMID: 10679937, 11391482, 19810120). This variant is not present in population databases (gnomAD no frequency). This premature translational stop signal has been observed in individual(s) with multiple exostoses (PMID: 11170095, 12239711). Invitae Evidence Modeling of clinical and family history, age, sex, and reported ancestry of multiple individuals with this EXT1 variant has been performed. This variant is expected to be pathogenic with a positive predictive value of at least 99%. This is a validated machine learning model that incorporates the clinical features of 66,185 individuals referred to our laboratory for EXT1 testing. ClinVar contains an entry for this variant (Variation ID: 936545). Algorithms developed to predict the effect of sequence changes on RNA splicing suggest that this variant may create or strengthen a splice site. For these reasons, this variant has been classified as Pathogenic.

Literature cited by the submitters: PubMed 10679937; PubMed 11391482; PubMed 19810120; PubMed 11170095; PubMed 12239711.

NM_000127.3(EXT1):c.679C>T (p.Arg227Ter)

Gene: EXT1 (exostosin glycosyltransferase 1; minus strand). Cytogenetic location: 8q24.11.
Variant type: single nucleotide variant.
Coding change: c.679C>T on transcript NM_000127.3 (MANE Select); coding-DNA position 679, C replaced by T.
Protein change: p.Arg227Ter; replaces arginine 227 with a stop codon.
Molecular consequence: nonsense.
Genome position (GRCh38, 1-based): chr8:118,110,368, G>A on the plus strand (C>T on the coding strand, the complement: EXT1 is on the minus strand). VCF-style: chr8-118110368-G-A. GRCh37 (hg19) VCF-style: chr8-119122607-G-A.
Other names: short protein forms R227*.
Identifiers: ClinVar variation 936545 (VCV000936545.9), dbSNP rs1817873582, ClinGen allele CA371915294.